The following is an entry in ClinVar:

NM_020949.3(SLC7A14):c.295A>G (p.Ile99Val)

Genes: SLC7A14 (solute carrier family 7 member 14; minus strand), SLC7A14-AS1 (SLC7A14 antisense RNA 1; plus strand). Cytogenetic location: 3q26.2.
Variant type: single nucleotide variant.
Coding change: c.295A>G on transcript NM_020949.3 (MANE Select); coding-DNA position 295, A replaced by G.
Protein change: p.Ile99Val; replaces isoleucine 99 with valine.
Molecular consequence: missense variant.
Genome position (GRCh38, 1-based): chr3:170,526,642, T>C on the plus strand (A>G on the coding strand, the complement: SLC7A14 is on the minus strand). VCF-style: chr3-170526642-T-C. GRCh37 (hg19) VCF-style: chr3-170244431-T-C.
Other names: short protein forms I99V.
Identifiers: ClinVar variation 2463003 (VCV002463003.6), dbSNP rs182823777, ClinGen allele CA2701974.

ClinVar aggregate classification (germline): Uncertain significance. Review status: criteria provided, multiple submitters, no conflicts (2 of 4 stars). 3 submissions from 3 submitters: Uncertain significance (3). Last evaluated 2026-06-01.

Allele frequency attached by ClinVar (database versions not stated): gnomAD exomes 0.00002; TOPMed 0.00002; gnomAD 0.00003; ExAC 0.00007; 1000 Genomes Project 30x 0.00016; 1000 Genomes Project 0.00020.
gnomAD v4.1: 27 of 1,614,020 alleles (0.0017%); highest among the groups gnomAD compares: East Asian, 0.045%; no homozygotes.

Submissions (3):

CeGaT Center for Human Genetics Tuebingen
Classification: Uncertain significance. Last evaluated: 2026-06-01. Review status: criteria provided, single submitter. Criteria: CeGaT Center For Human Genetics Tuebingen Variant Classification Criteria Version 2. Collection method: clinical testing. Allele origin: germline. Affected: yes. Observed: 1 variant allele.
Comment: SLC7A14: PM2, PP3

Ambry Genetics
Classification: Uncertain significance. Last evaluated: 2025-06-07. Review status: criteria provided, single submitter. Criteria: Ambry Variant Classification Scheme 2023. Collection method: clinical testing. Allele origin: germline.

Blueprint Genetics
Classification: Uncertain significance. Last evaluated: 2023-10-27. Review status: criteria provided, single submitter. Criteria: ACMG Guidelines, 2015. Collection method: clinical testing. Allele origin: germline.